The following is an entry in ClinVar:

ClinVar aggregate classification (germline): Uncertain significance. Review status: criteria provided, multiple submitters, no conflicts (2 of 4 stars). 3 submissions from 3 submitters: Uncertain significance (3). Last evaluated 2023-04-11.

Conditions:
Glycogen storage disease type III (GSD3). Also called: Cori disease; FORBES DISEASE. Identifiers: Orphanet 366, MedGen C0017922, MONDO:0009291, OMIM 232400.

Allele frequency attached by ClinVar (database versions not stated): gnomAD 0.00001 and 0.00002; ExAC 0.00003; gnomAD exomes 0.00004.
gnomAD v4.1: 28 of 1,613,460 alleles (0.0017%); highest among the groups gnomAD compares: Admixed American, 0.02%; no homozygotes.

Submissions (3):

Genome-Nilou Lab
Classification: Uncertain significance for Glycogen storage disease type III. Last evaluated: 2023-04-11. Review status: criteria provided, single submitter. Criteria: ACMG Guidelines, 2015. Collection method: clinical testing. Allele origin: germline. Affected: no.

Labcorp Genetics (formerly Invitae), Labcorp
Classification: Uncertain significance for Glycogen storage disease type III. Last evaluated: 2022-03-29. Review status: criteria provided, single submitter. Criteria: Invitae Variant Classification Sherloc (09022015). Collection method: clinical testing. Allele origin: germline.
Comment: This sequence change replaces serine, which is neutral and polar, with cysteine, which is neutral and slightly polar, at codon 1055 of the AGL protein (p.Ser1055Cys). This variant is present in population databases (rs749163043, gnomAD 0.02%). This variant has not been reported in the literature in individuals affected with AGL-related conditions. Algorithms developed to predict the effect of missense changes on protein structure and function output the following: SIFT: "Tolerated"; PolyPhen-2: "Benign"; Align-GVGD: "Class C0". The cysteine amino acid residue is found in multiple mammalian species, which suggests that this missense change does not adversely affect protein function. In summary, the available evidence is currently insufficient to determine the role of this variant in disease. Therefore, it has been classified as a Variant of Uncertain Significance.

Fulgent Genetics
Classification: Uncertain significance for Glycogen storage disease type III. Last evaluated: 2021-08-18. Review status: criteria provided, single submitter. Criteria: ACMG Guidelines, 2015. Collection method: clinical testing. Allele origin: unknown.

NM_000642.3(AGL):c.3164C>G (p.Ser1055Cys)

Gene: AGL (amylo-alpha-1,6-glucosidase and 4-alpha-glucanotransferase; plus strand). Cytogenetic location: 1p21.2.
Variant type: single nucleotide variant.
Coding change: c.3164C>G on transcript NM_000642.3 (MANE Select); coding-DNA position 3164, C replaced by G.
Protein change: p.Ser1055Cys; replaces serine 1055 with cysteine.
Molecular consequence: missense variant.
Genome position (GRCh38, 1-based): chr1:99,892,512, C>G. VCF-style: chr1-99892512-C-G. GRCh37 (hg19) VCF-style: chr1-100358068-C-G.
Other names: c.3116C>G, p.Ser1039Cys (NM_000646.3); c.3164C>G, p.Ser1055Cys (NM_001425325.1, NM_000028.3, NM_000643.3 and 1 more transcripts); c.3143C>G, p.Ser1048Cys (NM_001425326.1); c.2963C>G, p.Ser988Cys (NM_001425327.1); c.2960C>G, p.Ser987Cys (NM_001425328.1); c.2825C>G, p.Ser942Cys (NM_001425329.1); c.2786C>G, p.Ser929Cys (NM_001425332.1); short protein forms S1055C, S1039C, S1048C, S929C, S942C, S987C, S988C.
Identifiers: ClinVar variation 1379330 (VCV001379330.4), dbSNP rs749163043, ClinGen allele CA966991.
Genomic context (GRCh38, chr1:99,892,512, plus strand): 5'-CCTTTGTGAAACACCTTTCATTGGGTTCAGTTCAACTGTGTGGAGTAGGAAAATTCCCTT[C>G]CCTGCCAATTCTTTCACCTGCCCTAATGGATGTACCTTATAGGTTAAATGAGATCACAAA-3'
Protein context (NP_000633.2, residues 1045-1065): VQLCGVGKFP[Ser1055Cys]LPILSPALMD